The following is an entry in ClinVar:

NM_001366145.2(TRPM3):c.677-8_677-7insC

Gene: TRPM3 (transient receptor potential cation channel subfamily M member 3; minus strand). Cytogenetic location: 9q21.12.
Variant type: Insertion.
Coding change: c.677-8_677-7insC on transcript NM_001366145.2 (MANE Select); 8 bases into the intron before coding-DNA position 677 through 7 bases into the intron before coding-DNA position 677, C inserted.
Molecular consequence: intron variant.
Genome position: GRCh38 VCF-style: chr9-70843134-A-AG. GRCh37 (hg19) VCF-style: chr9-73458050-A-AG.
Other names: c.683-8_683-7insC (NM_001366143.2, NM_001366141.2, NM_001366142.2 and 1 more transcripts); c.677-8_677-7insC (NM_001366150.2, NM_001366151.2, NM_001007471.4 and 6 more transcripts); c.218-8_218-7insC (NM_206944.5, NM_020952.6, NM_206945.5 and 6 more transcripts).
Identifiers: ClinVar variation 3035671 (VCV003035671.2), dbSNP rs111825966, ClinGen allele CA5078895.

ClinVar aggregate classification (germline): Benign (0 of 4 stars; one submission).

Conditions:
TRPM3-related disorder. Also called: TRPM3-related condition.

Allele frequency attached by ClinVar (database versions not stated): 1000 Genomes Project 30x 0.00578; gnomAD 0.00603; TOPMed 0.00663.

Submission:

PreventionGenetics, part of Exact Sciences
Classification: Benign for TRPM3-related condition. Last evaluated: 2019-07-29. Review status: no assertion criteria provided. Collection method: clinical testing. Allele origin: germline.
Comment: This variant is classified as benign based on ACMG/AMP sequence variant interpretation guidelines (Richards et al. 2015 PMID: 25741868, with internal and published modifications).